The following is an entry in ClinVar:

ClinVar aggregate classification (germline): Uncertain significance (1 of 4 stars; one submission).

Conditions:
Inborn genetic diseases. Identifiers: MedGen C0950123, MeSH D030342.

gnomAD v4.1: 7 of 1,613,898 alleles (0.00043%); highest among the groups gnomAD compares: South Asian, 0.0044%; no homozygotes.

Submission:

Ambry Genetics
Classification: Uncertain significance for Inborn genetic diseases. Last evaluated: 2024-02-23. Review status: criteria provided, single submitter. Criteria: Ambry Variant Classification Scheme 2023. Collection method: clinical testing. Allele origin: germline.
Comment: The p.D693E variant (also known as c.2079C>A), located in coding exon 13 of the EPAS1 gene, results from a C to A substitution at nucleotide position 2079. The aspartic acid at codon 693 is replaced by glutamic acid, an amino acid with highly similar properties. This amino acid position is conserved. In addition, this alteration is predicted to be tolerated by in silico analysis. Based on the available evidence, the clinical significance of this alteration remains unclear.

NM_001430.5(EPAS1):c.2079C>A (p.Asp693Glu)

Gene: EPAS1 (endothelial PAS domain protein 1; plus strand). Cytogenetic location: 2p21.
Variant type: single nucleotide variant.
Coding change: c.2079C>A on transcript NM_001430.5 (MANE Select); coding-DNA position 2079, C replaced by A.
Protein change: p.Asp693Glu; replaces aspartic acid 693 with glutamic acid.
Molecular consequence: missense variant.
Genome position (GRCh38, 1-based): chr2:46,381,629, C>A. VCF-style: chr2-46381629-C-A. GRCh37 (hg19) VCF-style: chr2-46608768-C-A.
Other names: short protein forms D693E.
Identifiers: ClinVar variation 3221599 (VCV003221599.1), dbSNP rs756298292, ClinGen allele CA346705486.
Genomic context (GRCh38, chr2:46,381,629, plus strand): 5'-CATAGCCTGCTCTCTCGGGCTTGGCAGGTCTGCAAAGGGTTTTGGGGCTCGAGGCCCAGA[C>A]GTGCTGAGTCCGGCCATGGTAGCCCTCTCCAACAAGCTGAAGCTGAAGCGACAGCTGGAG-3'
Protein context (NP_001421.2, residues 683-703): SAKGFGARGP[Asp693Glu]VLSPAMVALS